The following is an entry in ClinVar:

NM_000548.5(TSC2):c.1663G>T (p.Ala555Ser)

Gene: TSC2 (TSC complex subunit 2; plus strand). Cytogenetic location: 16p13.3.
Variant type: single nucleotide variant.
Coding change: c.1663G>T on transcript NM_000548.5 (MANE Select); coding-DNA position 1663, G replaced by T.
Protein change: p.Ala555Ser; replaces alanine 555 with serine.
Molecular consequence: missense variant.
Genome position (GRCh38, 1-based): chr16:2,065,582, G>T. VCF-style: chr16-2065582-G-T. GRCh37 (hg19) VCF-style: chr16-2115583-G-T.
Other names: c.1663G>T, p.Ala555Ser (NM_001077183.3, NM_001114382.3, NM_001363528.2 and 3 more transcripts); c.1552G>T, p.Ala518Ser (NM_001318827.2); c.1516G>T, p.Ala506Ser (NM_001318829.2); c.1063G>T, p.Ala355Ser (NM_001318831.2); c.1696G>T, p.Ala566Ser (NM_001318832.2); short protein forms A355S, A506S, A518S, A555S, A566S.
Identifiers: ClinVar variation 1055291 (VCV001055291.9), dbSNP rs763183991, ClinGen allele CA394268069.
Genomic context (GRCh38, chr16:2,065,582, plus strand): 5'-ATGGCCCGCTCCCTCTCCCCACCCCCGGAGCTGGAAGAAAGGGATGTGGCCGCATACTCG[G>T]CCTCCTTGGAGGATGTGAAGACAGCCGTCCTGGGGCTTCTGGTCATCCTTCAGGTGGGTG-3'
Protein context (NP_000539.2, residues 545-565): LEERDVAAYS[Ala555Ser]SLEDVKTAVL

ClinVar aggregate classification (germline): Uncertain significance (1 of 4 stars; one submission).

Conditions:
Tuberous sclerosis 2 (TSC2). Identifiers: Orphanet 805, MedGen C1860707, MONDO:0013199, OMIM 613254.

Submission:

Labcorp Genetics (formerly Invitae), Labcorp
Classification: Uncertain significance for Tuberous sclerosis 2. Last evaluated: 2020-10-09. Review status: criteria provided, single submitter. Criteria: Invitae Variant Classification Sherloc (09022015). Collection method: clinical testing. Allele origin: germline.
Comment: In summary, the available evidence is currently insufficient to determine the role of this variant in disease. Therefore, it has been classified as a Variant of Uncertain Significance. Advanced modeling of protein sequence and biophysical properties (such as structural, functional, and spatial information, amino acid conservation, physicochemical variation, residue mobility, and thermodynamic stability) performed at Invitae indicates that this missense variant is not expected to disrupt TSC2 protein function. This variant has not been reported in the literature in individuals with TSC2-related conditions. This variant is not present in population databases (ExAC no frequency). This sequence change replaces alanine with serine at codon 555 of the TSC2 protein (p.Ala555Ser). The alanine residue is moderately conserved and there is a moderate physicochemical difference between alanine and serine.